The following is an entry in ClinVar:

ClinVar aggregate classification (germline): Uncertain significance (1 of 4 stars; one submission).

Conditions:
TTN-related disorder. Also called: TTN-related condition; TTN-related disease; TTN-related disorders.

Allele frequency attached by ClinVar (database versions not stated): ExAC 0.00001; gnomAD 0.00003; TOPMed 0.00008; 1000 Genomes Project 0.00020; 1000 Genomes Project 30x 0.00031.
gnomAD v4.1: 17 of 1,613,234 alleles (0.0011%); highest among the groups gnomAD compares: African/African-American, 0.015%; no homozygotes.

Submission:

PreventionGenetics, part of Exact Sciences
Classification: Uncertain significance for TTN-related condition. Last evaluated: 2022-12-04. Review status: criteria provided, single submitter. Criteria: ACMG Guidelines, 2015. Collection method: clinical testing. Allele origin: germline.
Comment: The TTN c.69229C>T variant is predicted to result in the amino acid substitution p.Leu23077Phe. To our knowledge, this variant has not been reported in the literature. This variant is reported in 0.012% of alleles in individuals of African descent in gnomAD. At this time, the clinical significance of this variant is uncertain due to the absence of conclusive functional and genetic evidence.

NM_001267550.2(TTN):c.69229C>T (p.Leu23077Phe)

Genes: TTN (titin; minus strand), TTN-AS1 (TTN antisense RNA 1; plus strand). Cytogenetic location: 2q31.2.
Variant type: single nucleotide variant.
Coding change: c.69229C>T on transcript NM_001267550.2 (MANE Select); coding-DNA position 69229, C replaced by T.
Protein change: p.Leu23077Phe; replaces leucine 23077 with phenylalanine.
Molecular consequence: missense variant.
Genome position (GRCh38, 1-based): chr2:178,577,106, G>A on the plus strand (C>T on the coding strand, the complement: TTN is on the minus strand). VCF-style: chr2-178577106-G-A. GRCh37 (hg19) VCF-style: chr2-179441833-G-A.
Other names: c.64306C>T, p.Leu21436Phe (NM_001256850.1); c.42034C>T, p.Leu14012Phe (NM_003319.4); c.61525C>T, p.Leu20509Phe (NM_133378.4); c.42409C>T, p.Leu14137Phe (NM_133432.3); c.42610C>T, p.Leu14204Phe (NM_133437.4); short protein forms L14012F, L14137F, L14204F, L20509F, L21436F, L23077F.
Identifiers: ClinVar variation 2634565 (VCV002634565.1), dbSNP rs529270980, ClinGen allele CA1990963.